The following is an entry in ClinVar:

NM_000219.6(KCNE1):c.245T>A (p.Ile82Asn)

Gene: KCNE1 (potassium voltage-gated channel subfamily E regulatory subunit 1; minus strand). Cytogenetic location: 21q22.12.
Variant type: single nucleotide variant.
Coding change: c.245T>A on transcript NM_000219.6 (MANE Select); coding-DNA position 245, T replaced by A.
Protein change: p.Ile82Asn; replaces isoleucine 82 with asparagine.
Molecular consequence: missense variant.
Genome position (GRCh38, 1-based): chr21:34,449,390, A>T on the plus strand (T>A on the coding strand, the complement: KCNE1 is on the minus strand). VCF-style: chr21-34449390-A-T. GRCh37 (hg19) VCF-style: chr21-35821688-A-T.
Other names: c.245T>A, p.Ile82Asn (NM_001127668.4, NM_001127669.4, NM_001127670.4 and 4 more transcripts); short protein forms I82N.
Identifiers: ClinVar variation 3374424 (VCV003374424.2).

Conditions:
Long QT syndrome 5 (LQT5). Identifiers: Orphanet 101016, Orphanet 768, MedGen C1867904, MONDO:0013372, OMIM 613695.

Submission:

Roden Lab, Vanderbilt University Medical Center
No classification provided (evidence only). Condition: Long QT syndrome 5. Review status: no classification provided. Collection method: in vitro. Allele origin: not applicable. Functional consequence: Effect on ion channel function.
ClinVar note: "not provided" was previously submitted as the classification for the variant. However, the classification appeared to be based only on an observation of functional data so it was converted to no classification on 2025-07-30.